The following is an entry in ClinVar:

ClinVar aggregate classification (germline): Uncertain significance (1 of 4 stars; one submission).

gnomAD v4.1: 2 of 1,588,630 alleles (0.00013%); highest among the groups gnomAD compares: African/African-American, 0.0013%; no homozygotes.

Submission:

GeneDx
Classification: Uncertain significance. Last evaluated: 2024-10-24. Review status: criteria provided, single submitter. Criteria: GeneDx Variant Classification Process June 2021. Collection method: clinical testing. Allele origin: germline. Affected: yes.
Comment: In silico analysis supports a deleterious effect on splicing; Has not been previously published as pathogenic or benign to our knowledge

NM_005560.6(LAMA5):c.9078G>A (p.Ala3026=)

Gene: LAMA5 (laminin subunit alpha 5; minus strand). Cytogenetic location: 20q13.33.
Variant type: single nucleotide variant.
Coding change: c.9078G>A on transcript NM_005560.6 (MANE Select); coding-DNA position 9078, G replaced by A.
Protein change: p.Ala3026=; no amino-acid change (alanine 3026 retained).
Molecular consequence: synonymous variant.
Genome position (GRCh38, 1-based): chr20:62,312,888, C>T on the plus strand (G>A on the coding strand, the complement: LAMA5 is on the minus strand). VCF-style: chr20-62312888-C-T. GRCh37 (hg19) VCF-style: chr20-60887944-C-T.
Identifiers: ClinVar variation 3893403 (VCV003893403.1).